The following is an entry in ClinVar:

NM_000288.4(PEX7):c.46G>C (p.Gly16Arg)

Gene: PEX7 (peroxisomal biogenesis factor 7; plus strand). Cytogenetic location: 6q23.3.
Variant type: single nucleotide variant.
Coding change: c.46G>C on transcript NM_000288.4 (MANE Select); coding-DNA position 46, G replaced by C.
Protein change: p.Gly16Arg; replaces glycine 16 with arginine.
Molecular consequence: missense variant.
Genome position (GRCh38, 1-based): chr6:136,822,711, G>C. VCF-style: chr6-136822711-G-C. GRCh37 (hg19) VCF-style: chr6-137143849-G-C.
Other names: short protein forms G16R.
Identifiers: ClinVar variation 1006354 (VCV001006354.8), dbSNP rs1774098770, ClinGen allele CA365855177.
Genomic context (GRCh38, chr6:136,822,711, plus strand): 5'-GGGGCGGCGGGCGGGATGAGTGCGGTGTGCGGTGGAGCGGCGCGGATGCTGCGGACGCCG[G>C]GACGCCACGGCTACGCCGCCGAGTTCTCCCCGTACCTGCCGGGCCGCCTGGCCTGCGCCA-3'
Protein context (NP_000279.1, residues 6-26): GGAARMLRTP[Gly16Arg]RHGYAAEFSP

ClinVar aggregate classification (germline): Uncertain significance (1 of 4 stars; one submission).

Conditions:
Peroxisome biogenesis disorder 9B. Also called: PEX7-Related Refsum Disease; PEROXISOME BIOGENESIS DISORDER, PEX7-RELATED, ATYPICAL; Refsum disease, adult, 2. Identifiers: Orphanet 773, MedGen C2749346, MONDO:0013945, OMIM 614879.

Submission:

Labcorp Genetics (formerly Invitae), Labcorp
Classification: Uncertain significance for Peroxisome biogenesis disorder 9B. Last evaluated: 2020-08-10. Review status: criteria provided, single submitter. Criteria: Invitae Variant Classification Sherloc (09022015). Collection method: clinical testing. Allele origin: germline.
Comment: The frequency data for this variant in the population databases is considered unreliable, as metrics indicate insufficient coverage at this position in the ExAC database. In summary, the available evidence is currently insufficient to determine the role of this variant in disease. Therefore, it has been classified as a Variant of Uncertain Significance. Algorithms developed to predict the effect of missense changes on protein structure and function are either unavailable or do not agree on the potential impact of this missense change (SIFT: "Deleterious"; PolyPhen-2: "Possibly Damaging"; Align-GVGD: "Class C0"). This variant has not been reported in the literature in individuals with PEX7-related conditions. This sequence change replaces glycine with arginine at codon 16 of the PEX7 protein (p.Gly16Arg). The glycine residue is highly conserved and there is a moderate physicochemical difference between glycine and arginine.